The following is an entry in ClinVar:

ClinVar aggregate classification (germline): Likely pathogenic (1 of 4 stars; one submission).

Conditions:
Aniridia 1 (AN1). Identifiers: Orphanet 250923, MedGen C0344542, MONDO:0024507, OMIM 106210.
Irido-corneo-trabecular dysgenesis (ASGD5). Also called: ANTERIOR SEGMENT DYSGENESIS 5. Identifiers: Orphanet 708, MedGen C0344559, MONDO:0011414, OMIM 604229, HP:0000659.

Submission:

Labcorp Genetics (formerly Invitae), Labcorp
Classification: Likely pathogenic for Aniridia 1; Irido-corneo-trabecular dysgenesis. Last evaluated: 2025-02-28. Review status: criteria provided, single submitter. Criteria: Invitae Variant Classification Sherloc (09022015). Collection method: clinical testing. Allele origin: germline.
Comment: This sequence change affects a donor splice site in intron 8 of the PAX6 gene. It is expected to disrupt RNA splicing. Variants that disrupt the donor or acceptor splice site typically lead to a loss of protein function (PMID: 16199547), and loss-of-function variants in PAX6 are known to be pathogenic (PMID: 12634864). This variant is not present in population databases (gnomAD no frequency). Disruption of this splice site has been observed in individual(s) with PAX6-related condition (internal data). Disruption of this splice site has been observed in at least one individual who was not affected with PAX6-related conditions (internal data). ClinVar contains an entry for this variant (Variation ID: 2943693). Algorithms developed to predict the effect of sequence changes on RNA splicing suggest that this variant may disrupt the consensus splice site. In summary, the currently available evidence indicates that the variant is pathogenic, but additional data are needed to prove that conclusively. Therefore, this variant has been classified as Likely Pathogenic.

Literature cited by the submitters: PubMed 16199547; PubMed 12634864.

NM_001368894.2(PAX6):c.724+1G>A

Gene: PAX6 (paired box 6; minus strand). Cytogenetic location: 11p13.
Variant type: single nucleotide variant.
Coding change: c.724+1G>A on transcript NM_001368894.2 (MANE Select); the canonical splice donor site of the intron after coding-DNA position 724, G replaced by A.
Molecular consequence: splice donor variant.
Genome position (GRCh38, 1-based): chr11:31,794,629, C>T on the plus strand (G>A on the coding strand, the complement: PAX6 is on the minus strand). VCF-style: chr11-31794629-C-T. GRCh37 (hg19) VCF-style: chr11-31816177-C-T.
Other names: c.682+1G>A (NM_001127612.3, NM_001368890.2, NM_001368888.2 and 10 more transcripts); c.523+1G>A (NM_001368921.2, NM_001368923.2, NM_001368926.2 and 4 more transcripts); c.724+1G>A (NM_001258462.3, NM_001310158.2, NM_001258463.2 and 6 more transcripts); c.799+1G>A (NM_001368919.2, NM_001368918.2); c.925+1G>A (NM_001368910.2); c.274+1G>A (NM_001368909.2, NM_001368904.2, NM_001368905.2 and 11 more transcripts); c.727+1G>A (NM_001368911.2); c.481+1G>A (NM_001368928.2); and 2 more.
Identifiers: ClinVar variation 2943693 (VCV002943693.3), dbSNP rs2495296956, ClinGen allele CA379956797.